The following is an entry in ClinVar:

ClinVar aggregate classification (germline): Pathogenic (1 of 4 stars; one submission).

Conditions:
Charcot-Marie-Tooth disease axonal type 2O. Also called: CHARCOT-MARIE-TOOTH NEUROPATHY, AXONAL, TYPE 2O; CHARCOT-MARIE-TOOTH DISEASE, AXONAL, AUTOSOMAL DOMINANT, TYPE 2O; Charcot-Marie-Tooth Neuropathy Type 2O; Charcot-Marie-Tooth disease, axonal, type 20. Identifiers: Orphanet 284232, MedGen C3280220, MONDO:0013644, OMIM 614228.

Submission:

Labcorp Genetics (formerly Invitae), Labcorp
Classification: Pathogenic for Charcot-Marie-Tooth disease axonal type 2O. Last evaluated: 2025-10-01. Review status: criteria provided, single submitter. Criteria: Invitae Variant Classification Sherloc (09022015). Collection method: clinical testing. Allele origin: germline.
Comment: This sequence change replaces histidine, which is basic and polar, with arginine, which is basic and polar, at codon 1124 of the DYNC1H1 protein (p.His1124Arg). This variant is not present in population databases (gnomAD no frequency). This missense change has been observed in individual(s) with seizures and developmental delay (PMID: 40660528). In at least one individual the variant was observed to be de novo. ClinVar contains an entry for this variant (Variation ID: 2066078). Invitae Evidence Modeling of protein sequence and biophysical properties (such as structural, functional, and spatial information, amino acid conservation, physicochemical variation, residue mobility, and thermodynamic stability) indicates that this missense variant is expected to disrupt DYNC1H1 protein function with a positive predictive value of 95%. For these reasons, this variant has been classified as Pathogenic.

Literature cited by the submitters: PubMed 40660528.

NM_001376.5(DYNC1H1):c.3371A>G (p.His1124Arg)

Gene: DYNC1H1 (dynein cytoplasmic 1 heavy chain 1; plus strand). Cytogenetic location: 14q32.31.
Variant type: single nucleotide variant.
Coding change: c.3371A>G on transcript NM_001376.5 (MANE Select); coding-DNA position 3371, A replaced by G.
Protein change: p.His1124Arg; replaces histidine 1124 with arginine.
Molecular consequence: missense variant.
Genome position (GRCh38, 1-based): chr14:101,995,023, A>G. VCF-style: chr14-101995023-A-G. GRCh37 (hg19) VCF-style: chr14-102461360-A-G.
Other names: short protein forms H1124R.
Identifiers: ClinVar variation 2066078 (VCV002066078.4), dbSNP rs2503715379, ClinGen allele CA391033758.